The following is an entry in ClinVar:

NM_001145308.5(LRTOMT):c.34+347G>A

Genes: LRRC51 (leucine rich repeat containing 51; plus strand), LRTOMT (leucine rich transmembrane and O-methyltransferase domain containing; plus strand). Cytogenetic location: 11q13.4.
Variant type: single nucleotide variant.
Coding change: c.34+347G>A on transcript NM_001145308.5; 347 bases into the intron after coding-DNA position 34, G replaced by A.
Molecular consequence: intron variant. On other transcripts: missense variant (3), 3 prime UTR variant (1), non-coding transcript variant (2).
Genome position (GRCh38, 1-based): chr11:72,095,443, G>A. VCF-style: chr11-72095443-G-A. GRCh37 (hg19) VCF-style: chr11-71806489-G-A.
Other names: c.448G>A, p.Asp150Asn (NM_001205138.4); c.*343G>A (NM_001271471.3); c.502G>A, p.Asp168Asn (NM_001318803.2, NM_145309.6); c.34+347G>A (NM_001145309.4, NM_001145310.4); c.437+347G>A (NM_001145307.5); short protein forms D150N, D168N.
Identifiers: ClinVar variation 429950 (VCV000429950.2), dbSNP rs1131691694, ClinGen allele CA381722732.

ClinVar aggregate classification (germline): Uncertain significance (1 of 4 stars; one submission).

Submission:

GeneDx
Classification: Uncertain significance. Last evaluated: 2018-11-12. Review status: criteria provided, single submitter. Criteria: GeneDx Variant Classification (06012015). Collection method: clinical testing. Allele origin: germline. Affected: yes.
Comment: The D150N variant in the LRTOMT gene has not been reported previously as a pathogenic variant, nor as a benign variant, to our knowledge. This variant is only present in a single alternate transcript of the LRTOMT gene (NM_001205138.3), but not in any other known transcript, including the primary isoform used by the Human Gene Mutation database (NM_001145308.4). Using the primary transcript, this variant would represent an intronic variant. The D150N variant is not observed in large population cohorts (Lek et al., 2016; 1000 Genomes Consortium et al., 2015; Exome Variant Server). The D150N variant is a semi-conservative amino acid substitution, which may impact secondary protein structure as these residues differ in some properties. This substitution occurs at a position where amino acids with similar properties to Aspartic acid are tolerated across species. In silico analysis predicts this variant is probably damaging to the protein structure/function. We interpret D150N as a variant of uncertain significance.